The following is an entry in ClinVar:

ClinVar aggregate classification (germline): Conflicting classifications of pathogenicity. Review status: criteria provided, conflicting classifications (1 of 4 stars). 3 submissions from 3 submitters: Uncertain significance (1); Likely benign (1). 1 of the submissions does not count toward it. Last evaluated 2025-06-18.

Conditions:
HDAC6-related disorder. Also called: HDAC6-related condition.

Allele frequency attached by ClinVar (database versions not stated): gnomAD exomes 0.00007 and 0.00021; ESP Exome Variant Server 0.00009; ExAC 0.00012; gnomAD 0.00013 and 0.00017; TOPMed 0.00018; 1000 Genomes Project 0.00079; 1000 Genomes Project 30x 0.00083.
gnomAD v4.1: 107 of 1,208,806 alleles (0.0089%); highest among the groups gnomAD compares: Admixed American, 0.077%; 1 homozygote.

Submissions (3):

Ambry Genetics
Classification: Uncertain significance. Last evaluated: 2025-06-18. Review status: criteria provided, single submitter. Criteria: Ambry Variant Classification Scheme 2023. Collection method: clinical testing. Allele origin: germline.

Labcorp Genetics (formerly Invitae), Labcorp
Classification: Likely benign. Last evaluated: 2019-12-07. Review status: criteria provided, single submitter. Criteria: Invitae Variant Classification Sherloc (09022015). Collection method: clinical testing. Allele origin: germline.

PreventionGenetics, part of Exact Sciences
Classification: Likely benign for HDAC6-related condition. Last evaluated: 2022-11-28. Review status: no assertion criteria provided. Collection method: clinical testing. Allele origin: germline. Not counted in ClinVar's aggregate classification.
Comment: This variant is classified as likely benign based on ACMG/AMP sequence variant interpretation guidelines (Richards et al. 2015 PMID: 25741868, with internal and published modifications).

NM_006044.4(HDAC6):c.2596C>T (p.Arg866Trp)

Gene: HDAC6 (histone deacetylase 6; plus strand). Cytogenetic location: Xp11.23.
Variant type: single nucleotide variant.
Coding change: c.2596C>T on transcript NM_006044.4 (MANE Select); coding-DNA position 2596, C replaced by T.
Protein change: p.Arg866Trp; replaces arginine 866 with tryptophan.
Molecular consequence: missense variant. On other transcripts: non-coding transcript variant (1).
Genome position (GRCh38, 1-based): chrX:48,822,995, C>T. VCF-style: chrX-48822995-C-T. GRCh37 (hg19) VCF-style: chrX-48681405-C-T.
Other names: c.2596C>T (NM_006044.2, NM_006044.3); c.2638C>T, p.Arg880Trp (NM_001321225.2); c.2596C>T, p.Arg866Trp (NM_001321226.2, NM_001321227.2, NM_001321228.2 and 1 more transcripts); short protein forms R866W, R880W.
Identifiers: ClinVar variation 1161964 (VCV001161964.10), dbSNP rs201845777, ClinGen allele CA10405298.
Genomic context (GRCh38, chrX:48,822,995, plus strand): 5'-TCCAGTTCTAAGTTGGTCACCAAGAAGGCACCCCAACCAGCCAAACCTAGGTTAGCTGAG[C>T]GGATGACCACACGAGAAAAGAAGGTTCTGGAAGCAGGCATGGGGAAAGTCACCTCGGCAT-3'
Protein context (NP_006035.2, residues 856-876): PQPAKPRLAE[Arg866Trp]MTTREKKVLE